The following is an entry in ClinVar:

NM_006912.6(RIT1):c.328G>A (p.Glu110Lys)

Gene: RIT1 (Ras like without CAAX 1; minus strand). Cytogenetic location: 1q22.
Variant type: single nucleotide variant.
Coding change: c.328G>A on transcript NM_006912.6 (MANE Select); coding-DNA position 328, G replaced by A.
Protein change: p.Glu110Lys; replaces glutamic acid 110 with lysine.
Molecular consequence: missense variant.
Genome position (GRCh38, 1-based): chr1:155,904,412, C>T on the plus strand (G>A on the coding strand, the complement: RIT1 is on the minus strand). VCF-style: chr1-155904412-C-T. GRCh37 (hg19) VCF-style: chr1-155874203-C-T.
Other names: c.220G>A, p.Glu74Lys (NM_001256820.2); c.379G>A, p.Glu127Lys (NM_001256821.2); short protein forms E110K, E127K, E74K.
Identifiers: ClinVar variation 4082988 (VCV004082988.1).

ClinVar aggregate classification (germline): Uncertain significance (1 of 4 stars; one submission).

gnomAD v4.1: 1 of 1,614,042 alleles (0.000062%); highest among the groups gnomAD compares: East Asian, 0.0022%; no homozygotes.

Submission:

GeneDx
Classification: Uncertain significance. Last evaluated: 2025-03-04. Review status: criteria provided, single submitter. Criteria: GeneDx Variant Classification Process June 2021. Collection method: clinical testing. Allele origin: germline. Affected: yes.
Comment: Not observed at significant frequency in large population cohorts (gnomAD); In silico analysis supports that this missense variant has a deleterious effect on protein structure/function; Has not been previously published as pathogenic or benign to our knowledge